The following is an entry in ClinVar:

NM_078626.3(CDKN2C):c.477C>T (p.Asn159=)

Gene: CDKN2C (cyclin dependent kinase inhibitor 2C; plus strand). Cytogenetic location: 1p32.3.
Variant type: single nucleotide variant.
Coding change: c.477C>T on transcript NM_078626.3 (MANE Select); coding-DNA position 477, C replaced by T.
Protein change: p.Asn159=; no amino-acid change (asparagine 159 retained).
Molecular consequence: synonymous variant.
Genome position (GRCh38, 1-based): chr1:50,974,240, C>T. VCF-style: chr1-50974240-C-T. GRCh37 (hg19) VCF-style: chr1-51439912-C-T.
Other names: c.477C>T, p.Asn159= (NM_001262.3).
Identifiers: ClinVar variation 2638812 (VCV002638812.25), dbSNP rs2500450, ClinGen allele CA846493.

ClinVar aggregate classification (germline): Likely benign. Review status: criteria provided, multiple submitters, no conflicts (2 of 4 stars). 2 submissions from 2 submitters: Likely benign (2). Last evaluated 2024-11-14.

Allele frequency attached by ClinVar (database versions not stated): gnomAD exomes 0.00027; ExAC 0.00082; 1000 Genomes Project 30x 0.00172; 1000 Genomes Project 0.00200; ESP Exome Variant Server 0.00238; gnomAD 0.00239; TOPMed 0.00272.
gnomAD v4.1: 761 of 1,581,340 alleles (0.048%); highest among the groups gnomAD compares: African/African-American, 0.88%; 3 homozygotes.

Submissions (2):

Blueprint Genetics
Classification: Likely benign. Last evaluated: 2024-11-14. Review status: criteria provided, single submitter. Criteria: ACMG Guidelines, 2015. Collection method: clinical testing. Allele origin: germline.

CeGaT Center for Human Genetics Tuebingen
Classification: Likely benign. Last evaluated: 2023-08-01. Review status: criteria provided, single submitter. Criteria: CeGaT Center For Human Genetics Tuebingen Variant Classification Criteria Version 2. Collection method: clinical testing. Allele origin: germline. Affected: yes. Observed: 1 variant allele.
Comment: CDKN2C: BP4, BP7